The following is an entry in ClinVar:

ClinVar aggregate classification (germline): Uncertain significance (1 of 4 stars; one submission).

Allele frequency attached by ClinVar (database versions not stated): gnomAD exomes below 0.00001.
gnomAD v4.1: 6 of 1,611,710 alleles (0.00037%); highest among the groups gnomAD compares: Non-Finnish European, 0.00051%; no homozygotes.

Submission:

Labcorp Genetics (formerly Invitae), Labcorp
Classification: Uncertain significance. Last evaluated: 2022-02-12. Review status: criteria provided, single submitter. Criteria: Invitae Variant Classification Sherloc (09022015). Collection method: clinical testing. Allele origin: germline.
Comment: In summary, the available evidence is currently insufficient to determine the role of this variant in disease. Therefore, it has been classified as a Variant of Uncertain Significance. Algorithms developed to predict the effect of sequence changes on RNA splicing suggest that this variant may create or strengthen a splice site. Algorithms developed to predict the effect of missense changes on protein structure and function (SIFT, PolyPhen-2, Align-GVGD) all suggest that this variant is likely to be disruptive. This variant has not been reported in the literature in individuals affected with LTBP2-related conditions. This variant is not present in population databases (gnomAD no frequency). This sequence change replaces tyrosine, which is neutral and polar, with cysteine, which is neutral and slightly polar, at codon 1632 of the LTBP2 protein (p.Tyr1632Cys).

NM_000428.3(LTBP2):c.4895A>G (p.Tyr1632Cys)

Gene: LTBP2 (latent transforming growth factor beta binding protein 2; minus strand). Cytogenetic location: 14q24.3.
Variant type: single nucleotide variant.
Coding change: c.4895A>G on transcript NM_000428.3 (MANE Select); coding-DNA position 4895, A replaced by G.
Protein change: p.Tyr1632Cys; replaces tyrosine 1632 with cysteine.
Molecular consequence: missense variant.
Genome position (GRCh38, 1-based): chr14:74,502,928, T>C on the plus strand (A>G on the coding strand, the complement: LTBP2 is on the minus strand). VCF-style: chr14-74502928-T-C. GRCh37 (hg19) VCF-style: chr14-74969631-T-C.
Other names: short protein forms Y1632C.
Identifiers: ClinVar variation 1914459 (VCV001914459.5), dbSNP rs1018493180, ClinGen allele CA263578525.